The following is an entry in ClinVar:

NM_022051.3(EGLN1):c.79A>T (p.Met27Leu)

Gene: EGLN1 (egl-9 family hypoxia inducible factor 1; minus strand). Cytogenetic location: 1q42.2.
Variant type: single nucleotide variant.
Coding change: c.79A>T on transcript NM_022051.3 (MANE Select); coding-DNA position 79, A replaced by T.
Protein change: p.Met27Leu; replaces methionine 27 with leucine.
Molecular consequence: missense variant.
Genome position (GRCh38, 1-based): chr1:231,421,810, T>A on the plus strand (A>T on the coding strand, the complement: EGLN1 is on the minus strand). VCF-style: chr1-231421810-T-A. GRCh37 (hg19) VCF-style: chr1-231557556-T-A.
Other names: c.79A>T, p.Met27Leu (NM_001377260.1, NM_001377261.1); short protein forms M27L.
Identifiers: ClinVar variation 1761565 (VCV001761565.3), dbSNP rs774928155, ClinGen allele CA1453209.

ClinVar aggregate classification (germline): Uncertain significance (1 of 4 stars; one submission).

Allele frequency attached by ClinVar (database versions not stated): gnomAD exomes below 0.00001; TOPMed below 0.00001; gnomAD 0.00001; ExAC 0.00002.
gnomAD v4.1: 3 of 1,557,462 alleles (0.00019%); highest among the groups gnomAD compares: East Asian, 0.0049%; no homozygotes.

Submission:

Ambry Genetics
Classification: Uncertain significance. Last evaluated: 2023-08-31. Review status: criteria provided, single submitter. Criteria: Ambry Variant Classification Scheme 2023. Collection method: clinical testing. Allele origin: germline.
Comment: The p.M27L variant (also known as c.79A>T), located in coding exon 1 of the EGLN1 gene, results from an A to T substitution at nucleotide position 79. The methionine at codon 27 is replaced by leucine, an amino acid with highly similar properties. This amino acid position is conserved. In addition, the in silico prediction for this alteration is inconclusive. Since supporting evidence is limited at this time, the clinical significance of this alteration remains unclear.